The following is an entry in ClinVar:

NM_001083962.2(TCF4):c.*549G>A

Gene: TCF4 (transcription factor 4; minus strand). Cytogenetic location: 18q21.2.
Variant type: single nucleotide variant.
Coding change: c.*549G>A on transcript NM_001083962.2 (MANE Select); 549 bases downstream of the stop codon, G replaced by A.
Molecular consequence: 3 prime UTR variant.
Genome position (GRCh38, 1-based): chr18:55,227,486, C>T on the plus strand (G>A on the coding strand, the complement: TCF4 is on the minus strand). VCF-style: chr18-55227486-C-T. GRCh37 (hg19) VCF-style: chr18-52894717-C-T.
Other names: c.*549G>A (NM_001243226.3, NM_001243227.2, NM_001243228.2 and 42 more transcripts).
Identifiers: ClinVar variation 327298 (VCV000327298.36), dbSNP rs148367822, ClinGen allele CA10641763.

ClinVar aggregate classification (germline): Benign. Review status: criteria provided, multiple submitters, no conflicts (2 of 4 stars). 2 submissions from 2 submitters: Benign (2). Last evaluated 2022-09-01.

Conditions:
Pitt-Hopkins syndrome (PTHS). Also called: ENCEPHALOPATHY, SEVERE EPILEPTIC, WITH AUTONOMIC DYSFUNCTION; MENTAL RETARDATION, SYNDROMAL, WITH INTERMITTENT HYPERVENTILATION. Identifiers: Orphanet 2896, MedGen C1970431, MONDO:0012589, OMIM 610954.

Allele frequency attached by ClinVar (database versions not stated): 1000 Genomes Project 0.00060; 1000 Genomes Project 30x 0.00172; TOPMed 0.00254; gnomAD 0.00264 and 0.00265.

Submissions (2):

CeGaT Center for Human Genetics Tuebingen
Classification: Benign. Last evaluated: 2022-09-01. Review status: criteria provided, single submitter. Criteria: CeGaT Center For Human Genetics Tuebingen Variant Classification Criteria Version 2. Collection method: clinical testing. Allele origin: germline. Affected: yes. Observed: 5 variant alleles.
Comment: TCF4: BS1, BS2

Illumina Laboratory Services, Illumina
Classification: Benign for Pitt-Hopkins syndrome. Last evaluated: 2018-01-12. Review status: criteria provided, single submitter. Criteria: ICSL Variant Classification Criteria 13 December 2019. Collection method: clinical testing. Allele origin: germline.
Comment: This variant was observed in the ICSL laboratory as part of a predisposition screen in an ostensibly healthy population. It had not been previously curated by ICSL or reported in the Human Gene Mutation Database (HGMD: prior to June 1st, 2018), and was therefore a candidate for classification through an automated scoring system. Utilizing variant allele frequency, disease prevalence and penetrance estimates, and inheritance mode, an automated score was calculated to assess if this variant is too frequent to cause the disease. Based on the score and internal cut-off values, a variant classified as benign is not then subjected to further curation. The score for this variant resulted in a classification of benign for this disease.